The following is an entry in ClinVar:

ClinVar aggregate classification (germline): Pathogenic/Likely pathogenic. Review status: criteria provided, multiple submitters, no conflicts (2 of 4 stars). 2 submissions from 2 submitters: Pathogenic (1); Likely pathogenic (1). Last evaluated 2026-09-09.

Conditions:
BCS1L-related disorder. Also called: BCS1L-related disorders; BCS1L-related condition. Identifiers: MedGen CN239240.
Pili torti-deafness syndrome (BJS). Also called: PILI TORTI AND NERVE DEAFNESS; Bjornstad syndrome. Identifiers: Orphanet 123, MedGen C0266006, MONDO:0009872, OMIM 262000.

Submissions (2):

Myriad Genetics, Inc.
Classification: Pathogenic for BCS1L-related disorder. Last evaluated: 2026-09-09. Review status: criteria provided, single submitter. Criteria: Myriad Autosomal Dominant, Autosomal Recessive and X-Linked Classification Criteria (2023). Collection method: clinical testing. Allele origin: unknown.
Comment: NM_004328.4(BCS1L):c.671_675del5(R224Lfs*38) is expected to be pathogenic in the context of BCS1L-related disorders. This variant is predicted to lead to an abnormal or absent protein product due to the creation of a premature termination codon in BCS1L, a gene where loss-of-function variants are known to be pathogenic. Please note: this variant was assessed in the context of healthy population screening.

Baylor Genetics
Classification: Likely pathogenic for Pili torti-deafness syndrome. Last evaluated: 2023-09-13. Review status: criteria provided, single submitter. Criteria: ACMG Guidelines, 2015. Collection method: clinical testing. Allele origin: unknown.

NM_001079866.2(BCS1L):c.671_675del (p.Arg224fs)

Gene: BCS1L (BCS1 ubiquinol-cytochrome c reductase complex chaperone; plus strand). Cytogenetic location: 2q35.
Variant type: Deletion.
Coding change: c.671_675del on transcript NM_001079866.2 (MANE Select); coding-DNA positions 671 to 675, 5 bases deleted (GTGGC; older notation c.671_675delGTGGC).
Protein change: p.Arg224fs; shifts the reading frame from arginine 224.
Molecular consequence: frameshift variant. On other transcripts: non-coding transcript variant (1).
Genome position (GRCh38, 1-based): chr2:218,662,212-218,662,216, GTGGC deleted; deleting any 5 consecutive bases within chr2:218,662,211-218,662,216 gives the same sequence; the c. name uses the placement nearest the transcript's 3' end. VCF-style (leftmost placement, unchanged base first): chr2-218662210-ACGTGG-A. GRCh37 (hg19) VCF-style: chr2-219526933-ACGTGG-A.
Other names: c.671_675del, p.Arg224fs (NM_001257342.2, NM_001257343.2, NM_001257344.2 and 10 more transcripts); c.311_315del, p.Arg104fs (NM_001318836.2, NM_001371451.1); c.170_174del, p.Arg57fs (NM_001371452.1, NM_001371453.1, NM_001371454.1 and 3 more transcripts); short protein forms R104fs, R224fs, R57fs.
Identifiers: ClinVar variation 2680149 (VCV002680149.2), dbSNP rs2469885136, ClinGen allele CA2695197121.
Genomic context (GRCh38, chr2:218,662,210, plus strand): 5'-GTAGATATCCGGGGCAAAAGACATGATCATCCTGGCTCTATCCCTAGGCATTCCTTACAG[ACGTGG>A]CTACCTGCTTTATGGGCCCCCTGGTTGCGGAAAGAGCAGTTTTATGTGAGTATTCAAAAT-3'